The following is an entry in ClinVar:

NM_002609.4(PDGFRB):c.631+1G>A

Gene: PDGFRB (platelet derived growth factor receptor beta; minus strand). Cytogenetic location: 5q32.
Variant type: single nucleotide variant.
Coding change: c.631+1G>A on transcript NM_002609.4 (MANE Select); the canonical splice donor site of the intron after coding-DNA position 631, G replaced by A.
Molecular consequence: splice donor variant. On other transcripts: missense variant (1).
Genome position (GRCh38, 1-based): chr5:150,134,749, C>T on the plus strand (G>A on the coding strand, the complement: PDGFRB is on the minus strand). VCF-style: chr5-150134749-C-T. GRCh37 (hg19) VCF-style: chr5-149514312-C-T.
Other names: c.115G>A, p.Val39Met (NM_001355017.2); c.439+1G>A (NM_001355016.2); short protein forms V39M.
Identifiers: ClinVar variation 1017376 (VCV001017376.7), dbSNP rs111491260, ClinGen allele CA361724596.
Genomic context (GRCh38, chr5:150,134,749, plus strand): 5'-TATTCCTCTGTGGAGGGTTATACTTGCCTCTGCTGAGCATCAGGCCAGAAAGGGGGCTCA[C>T]CCTGGAGTCTGTAGACATAGTAGGCATCAGAATCCACCTCCCTGTCCCCAATGGTGGTTT-3'

ClinVar aggregate classification (germline): Uncertain significance (1 of 4 stars; one submission).

Conditions:
Infantile myofibromatosis (IMF). Also called: Congenital generalized fibromatosis. Identifiers: Orphanet 2591, MedGen C0432284, MONDO:0016824.
Basal ganglia calcification, idiopathic, 4 (PFBC4). Also called: Familial Idiopathic Basal Ganglia Calcification 4; PRIMARY FAMILIAL BRAIN CALCIFICATION 4, AUTOSOMAL DOMINANT. Identifiers: Orphanet 1980, MedGen C3554321, MONDO:0014004, OMIM 615007.
Skeletal overgrowth-craniofacial dysmorphism-hyperelastic skin-white matter lesions syndrome. Also called: SKELETAL OVERGROWTH WITH FACIAL DYSMORPHISM, HYPERELASTIC SKIN, WHITE MATTER LESIONS, AND NEUROLOGIC DETERIORATION; Kosaki overgrowth syndrome. Identifiers: Orphanet 477831, MedGen C4225270, MONDO:0014704, OMIM 616592.
Acroosteolysis-keloid-like lesions-premature aging syndrome. Also called: Premature aging syndrome, Penttinen type; Prematurely aged appearance, delayed bone maturation, acro-osteolysis, and brachydactyly; Progeroid syndrome, Penttinen type. Identifiers: Orphanet 363665, MedGen C1866182, MONDO:0011150, OMIM 601812.

Submission:

Labcorp Genetics (formerly Invitae), Labcorp
Classification: Uncertain significance for Basal ganglia calcification, idiopathic, 4; Skeletal overgrowth-craniofacial dysmorphism-hyperelastic skin-white matter lesions syndrome; Infantile myofibromatosis; Acroosteolysis-keloid-like lesions-premature aging syndrome. Last evaluated: 2020-03-25. Review status: criteria provided, single submitter. Criteria: Invitae Variant Classification Sherloc (09022015). Collection method: clinical testing. Allele origin: germline.
Comment: This variant is not present in population databases (ExAC no frequency). This sequence change affects a donor splice site in intron 4 of the PDGFRB gene. It is expected to disrupt RNA splicing and likely results in an absent or disrupted protein product. Algorithms developed to predict the effect of sequence changes on RNA splicing suggest that this variant may disrupt the consensus splice site, but this prediction has not been confirmed by published transcriptional studies. The current clinical and genetic evidence is not sufficient to establish whether loss-of-function variants in PDGFRB cause disease. This variant has not been reported in the literature in individuals with PDGFRB-related conditions. In summary, the available evidence is currently insufficient to determine the role of this variant in disease. Therefore, it has been classified as a Variant of Uncertain Significance.